The following is an entry in ClinVar:

NM_025207.5(FLAD1):c.548A>G (p.His183Arg)

Gene: FLAD1 (flavin adenine dinucleotide synthetase 1; plus strand). Cytogenetic location: 1q21.3.
Variant type: single nucleotide variant.
Coding change: c.548A>G on transcript NM_025207.5 (MANE Select); coding-DNA position 548, A replaced by G.
Protein change: p.His183Arg; replaces histidine 183 with arginine.
Molecular consequence: missense variant.
Genome position (GRCh38, 1-based): chr1:154,988,280, A>G. VCF-style: chr1-154988280-A-G. GRCh37 (hg19) VCF-style: chr1-154960756-A-G.
Other names: c.257A>G, p.His86Arg (NM_001184891.2, NM_201398.3); c.251A>G, p.His84Arg (NM_001184892.2); short protein forms H183R, H84R, H86R.
Identifiers: ClinVar variation 5041800 (VCV005041800.1).
Genomic context (GRCh38, chr1:154,988,280, plus strand): 5'-TCACTTCTTTCTCCAACCGCTTCACCCATGTCCTCACAGCAGGGGGCATCGGCCCCACTC[A>G]TGATGATGTGACCTTTGAGGCAGTGGCACAGGCCTTTGGAGATGAGCTGAAGCCACACCC-3'
Protein context (NP_079483.3, residues 173-193): VLTAGGIGPT[His183Arg]DDVTFEAVAQ

ClinVar aggregate classification (germline): Uncertain significance (1 of 4 stars; one submission).

gnomAD v4.1: 28 of 1,614,070 alleles (0.0017%); highest among the groups gnomAD compares: African/African-American, 0.0027%; no homozygotes.

Submission:

CeGaT Center for Human Genetics Tuebingen
Classification: Uncertain significance. Last evaluated: 2026-09-01. Review status: criteria provided, single submitter. Criteria: CeGaT Center For Human Genetics Tuebingen Variant Classification Criteria Version 2. Collection method: clinical testing. Allele origin: germline. Affected: yes. Observed: 1 variant allele.
Comment: FLAD1: PM2, PP3